The following is an entry in ClinVar:

NM_001845.6(COL4A1):c.2521C>T (p.Pro841Ser)

Gene: COL4A1 (collagen type IV alpha 1 chain; minus strand). Cytogenetic location: 13q34.
Variant type: single nucleotide variant.
Coding change: c.2521C>T on transcript NM_001845.6 (MANE Select); coding-DNA position 2521, C replaced by T.
Protein change: p.Pro841Ser; replaces proline 841 with serine.
Molecular consequence: missense variant.
Genome position (GRCh38, 1-based): chr13:110,178,169, G>A on the plus strand (C>T on the coding strand, the complement: COL4A1 is on the minus strand). VCF-style: chr13-110178169-G-A. GRCh37 (hg19) VCF-style: chr13-110830516-G-A.
Other names: short protein forms P841S.
Identifiers: ClinVar variation 2064114 (VCV002064114.4), dbSNP rs770058017, ClinGen allele CA7047564.

ClinVar aggregate classification (germline): Uncertain significance (1 of 4 stars; one submission).

Allele frequency attached by ClinVar (database versions not stated): gnomAD exomes 0.00001; ExAC 0.00002; TOPMed 0.00002; gnomAD 0.00003.
gnomAD v4.1: 18 of 1,613,940 alleles (0.0011%); highest among the groups gnomAD compares: Middle Eastern, 0.033%; no homozygotes.

Submission:

Labcorp Genetics (formerly Invitae), Labcorp
Classification: Uncertain significance. Last evaluated: 2025-04-07. Review status: criteria provided, single submitter. Criteria: Invitae Variant Classification Sherloc (09022015). Collection method: clinical testing. Allele origin: germline.
Comment: This sequence change replaces proline, which is neutral and non-polar, with serine, which is neutral and polar, at codon 841 of the COL4A1 protein (p.Pro841Ser). This variant is present in population databases (rs770058017, gnomAD 0.002%). This variant has not been reported in the literature in individuals affected with COL4A1-related conditions. ClinVar contains an entry for this variant (Variation ID: 2064114). Invitae Evidence Modeling of protein sequence and biophysical properties (such as structural, functional, and spatial information, amino acid conservation, physicochemical variation, residue mobility, and thermodynamic stability) indicates that this missense variant is not expected to disrupt COL4A1 protein function with a negative predictive value of 95%. In summary, the available evidence is currently insufficient to determine the role of this variant in disease. Therefore, it has been classified as a Variant of Uncertain Significance.